The following is an entry in ClinVar:

NM_003334.4(UBA1):c.811+212A>G

Gene: UBA1 (ubiquitin like modifier activating enzyme 1; plus strand). Cytogenetic location: Xp11.3.
Variant type: single nucleotide variant.
Coding change: c.811+212A>G on transcript NM_003334.4 (MANE Select); 212 bases into the intron after coding-DNA position 811, A replaced by G.
Molecular consequence: intron variant.
Genome position (GRCh38, 1-based): chrX:47,201,822, A>G. VCF-style: chrX-47201822-A-G. GRCh37 (hg19) VCF-style: chrX-47061221-A-G.
Other names: NC_000023.10:g.47061221A>G; c.811+212A>G (NM_153280.3).
Identifiers: ClinVar variation 674441 (VCV000674441.3), dbSNP rs7886193, ClinGen allele CA329034394.

ClinVar aggregate classification (germline): Benign. Review status: criteria provided, multiple submitters, no conflicts (2 of 4 stars). 2 submissions from 2 submitters: Benign (2). Last evaluated 2018-06-18.

Allele frequency attached by ClinVar (database versions not stated): gnomAD 0.08681 and 0.08174; TOPMed 0.09400; 1000 Genomes Project 30x 0.09865; 1000 Genomes Project 0.09669.
gnomAD v4.1: 9,020 of 111,393 alleles (8.1%); highest among the groups gnomAD compares: African/African-American, 28%; 920 homozygotes.

Submissions (5):

GeneDx
Classification: Benign. Last evaluated: 2018-06-18. Review status: criteria provided, single submitter. Criteria: GeneDx Variant Classification (06012015). Collection method: clinical testing. Allele origin: germline. Affected: yes.
Comment: This variant is considered likely benign or benign based on one or more of the following criteria: it is a conservative change, it occurs at a poorly conserved position in the protein, it is predicted to be benign by multiple in silico algorithms, and/or has population frequency not consistent with disease.

Breakthrough Genomics
Classification: Benign. Review status: criteria provided, single submitter. Criteria: ACMG Guidelines, 2015. Collection method: not provided. Allele origin: germline. Inheritance: Other. Affected: yes.

Dr. Peter K. Rogan Lab, Western University
No classification provided (evidence only). Condition: Uterine corpus endometrial carcinoma. Review status: no classification provided. Collection method: in vitro. Allele origin: not applicable. Functional consequence: retained intron. Not counted in ClinVar's aggregate classification.

Dr. Peter K. Rogan Lab, Western University
No classification provided (evidence only). Condition: Sarcoma. Review status: no classification provided. Collection method: in vitro. Allele origin: not applicable. Functional consequence: retained intron. Not counted in ClinVar's aggregate classification.

Dr. Peter K. Rogan Lab, Western University
No classification provided (evidence only). Condition: Malignant tumor of esophagus. Review status: no classification provided. Collection method: in vitro. Allele origin: not applicable. Functional consequence: retained intron. Not counted in ClinVar's aggregate classification.